The following is an entry in ClinVar:

NM_018979.4(WNK1):c.2162A>G (p.Gln721Arg)

Gene: WNK1 (WNK lysine deficient protein kinase 1; plus strand). Cytogenetic location: 12p13.33.
Variant type: single nucleotide variant.
Coding change: c.2162A>G on transcript NM_018979.4 (MANE Select); coding-DNA position 2162, A replaced by G.
Protein change: p.Gln721Arg; replaces glutamine 721 with arginine.
Molecular consequence: missense variant.
Genome position (GRCh38, 1-based): chr12:871,287, A>G. VCF-style: chr12-871287-A-G. GRCh37 (hg19) VCF-style: chr12-980453-A-G.
Other names: c.3401A>G, p.Gln1134Arg (NM_001184985.2); c.2162A>G, p.Gln721Arg (NM_014823.3); c.3656A>G, p.Gln1219Arg (NM_213655.5); short protein forms Q721R, Q1134R, Q1219R.
Identifiers: ClinVar variation 946629 (VCV000946629.9), dbSNP rs1952123982, ClinGen allele CA383342830.

ClinVar aggregate classification (germline): Uncertain significance (1 of 4 stars; one submission).

Conditions:
Neuropathy, hereditary sensory and autonomic, type 2A (HSAN2A). Also called: MORVAN DISEASE; NEUROPATHY, CONGENITAL SENSORY; NEUROPATHY, HEREDITARY SENSORY RADICULAR, AUTOSOMAL RECESSIVE; NEUROPATHY, HEREDITARY SENSORY, TYPE IIA; NEUROPATHY, PROGRESSIVE SENSORY, OF CHILDREN; WNK1-Related HSAN2 (HSAN2A). Identifiers: Orphanet 970, MedGen C2752089, MONDO:0024309, OMIM 201300.
Pseudohypoaldosteronism type 2C (PHA2C). Also called: Pseudohypoaldosteronism Type IIC. Identifiers: Orphanet 757, Orphanet 88940, MedGen C1840391, MONDO:0013778, OMIM 614492.

Allele frequency attached by ClinVar (database versions not stated): gnomAD exomes below 0.00001.
gnomAD v4.1: 1 of 1,614,242 alleles (0.000062%); highest among the groups gnomAD compares: Non-Finnish European, 0.000085%; no homozygotes.

Submission:

Labcorp Genetics (formerly Invitae), Labcorp
Classification: Uncertain significance for Neuropathy, hereditary sensory and autonomic, type 2A; Pseudohypoaldosteronism type 2C. Last evaluated: 2019-04-18. Review status: criteria provided, single submitter. Criteria: Invitae Variant Classification Sherloc (09022015). Collection method: clinical testing. Allele origin: germline.
Comment: This sequence change replaces glutamine with arginine at codon 1219 of the WNK1 protein (p.Gln1219Arg). The glutamine residue is weakly conserved and there is a small physicochemical difference between glutamine and arginine. This variant is not present in population databases (ExAC no frequency). This variant has not been reported in the literature in individuals with WNK1-related conditions. Algorithms developed to predict the effect of missense changes on protein structure and function are either unavailable or do not agree on the potential impact of this missense change (SIFT: "Tolerated"; PolyPhen-2: "Not Available"; Align-GVGD: "Class C0"). In summary, the available evidence is currently insufficient to determine the role of this variant in disease. Therefore, it has been classified as a Variant of Uncertain Significance.